The following is an entry in ClinVar:

NM_031935.3(HMCN1):c.12510G>C (p.Arg4170Ser)

Gene: HMCN1 (hemicentin 1; plus strand). Cytogenetic location: 1q31.1.
Variant type: single nucleotide variant.
Coding change: c.12510G>C on transcript NM_031935.3 (MANE Select); coding-DNA position 12510, G replaced by C.
Protein change: p.Arg4170Ser; replaces arginine 4170 with serine.
Molecular consequence: missense variant.
Genome position (GRCh38, 1-based): chr1:186,125,614, G>C. VCF-style: chr1-186125614-G-C. GRCh37 (hg19) VCF-style: chr1-186094746-G-C.
Other names: short protein forms R4170S.
Identifiers: ClinVar variation 1422164 (VCV001422164.6), dbSNP rs147073283, ClinGen allele CA1294385.

ClinVar aggregate classification (germline): Uncertain significance (1 of 4 stars; one submission).

Allele frequency attached by ClinVar (database versions not stated): gnomAD exomes 0.00001 and 0.00004; ExAC 0.00006; ESP Exome Variant Server 0.00008; TOPMed 0.00015; 1000 Genomes Project 30x 0.00016; 1000 Genomes Project 0.00020; gnomAD 0.00020 and 0.00021.
gnomAD v4.1: 44 of 1,612,628 alleles (0.0027%); highest among the groups gnomAD compares: African/African-American, 0.055%; no homozygotes.

Submission:

Labcorp Genetics (formerly Invitae), Labcorp
Classification: Uncertain significance. Last evaluated: 2025-10-26. Review status: criteria provided, single submitter. Criteria: Invitae Variant Classification Sherloc (09022015). Collection method: clinical testing. Allele origin: germline.
Comment: This sequence change replaces arginine, which is basic and polar, with serine, which is neutral and polar, at codon 4170 of the HMCN1 protein (p.Arg4170Ser). This variant is present in population databases (rs147073283, gnomAD 0.07%), and has an allele count higher than expected for a pathogenic variant. This variant has not been reported in the literature in individuals affected with HMCN1-related conditions. ClinVar contains an entry for this variant (Variation ID: 1422164). An algorithm developed to predict the effect of missense changes on protein structure and function (PolyPhen-2) suggests that this variant is likely to be tolerated. In summary, the available evidence is currently insufficient to determine the role of this variant in disease. Therefore, it has been classified as a Variant of Uncertain Significance.